The following is an entry in ClinVar:

NM_153000.5(APCDD1):c.863C>T (p.Thr288Ile)

Gene: APCDD1 (APC down-regulated 1; plus strand). Cytogenetic location: 18p11.22.
Variant type: single nucleotide variant.
Coding change: c.863C>T on transcript NM_153000.5 (MANE Select); coding-DNA position 863, C replaced by T.
Protein change: p.Thr288Ile; replaces threonine 288 with isoleucine.
Molecular consequence: missense variant.
Genome position (GRCh38, 1-based): chr18:10,485,550, C>T. VCF-style: chr18-10485550-C-T. GRCh37 (hg19) VCF-style: chr18-10485547-C-T.
Other names: short protein forms T288I.
Identifiers: ClinVar variation 2044096 (VCV002044096.4), dbSNP rs143107759, ClinGen allele CA8891146.

ClinVar aggregate classification (germline): Uncertain significance (1 of 4 stars; one submission).

Allele frequency attached by ClinVar (database versions not stated): ExAC 0.00004; 1000 Genomes Project 30x 0.00016; gnomAD 0.00017; TOPMed 0.00019; ESP Exome Variant Server 0.00023.
gnomAD v4.1: 48 of 1,614,164 alleles (0.003%); highest among the groups gnomAD compares: African/African-American, 0.057%; no homozygotes.

Submission:

Labcorp Genetics (formerly Invitae), Labcorp
Classification: Uncertain significance. Last evaluated: 2022-05-27. Review status: criteria provided, single submitter. Criteria: Invitae Variant Classification Sherloc (09022015). Collection method: clinical testing. Allele origin: germline.
Comment: In summary, the available evidence is currently insufficient to determine the role of this variant in disease. Therefore, it has been classified as a Variant of Uncertain Significance. Algorithms developed to predict the effect of missense changes on protein structure and function (SIFT, PolyPhen-2, Align-GVGD) all suggest that this variant is likely to be disruptive. This variant has not been reported in the literature in individuals affected with APCDD1-related conditions. This variant is present in population databases (rs143107759, gnomAD 0.06%), and has an allele count higher than expected for a pathogenic variant. This sequence change replaces threonine, which is neutral and polar, with isoleucine, which is neutral and non-polar, at codon 288 of the APCDD1 protein (p.Thr288Ile).